The following is an entry in ClinVar:

ClinVar aggregate classification (germline): Conflicting classifications of pathogenicity. Review status: criteria provided, conflicting classifications (1 of 4 stars). 2 submissions from 2 submitters: Uncertain significance (1); Likely benign (1). Last evaluated 2025-10-24.

Allele frequency attached by ClinVar (database versions not stated): gnomAD exomes 0.00002 and 0.00005; gnomAD 0.00003 and 0.00004.
gnomAD v4.1: 77 of 1,550,224 alleles (0.005%); highest among the groups gnomAD compares: Non-Finnish European, 0.0061%; no homozygotes.

Submissions (2):

Labcorp Genetics (formerly Invitae), Labcorp
Classification: Uncertain significance. Last evaluated: 2025-10-24. Review status: criteria provided, single submitter. Criteria: Invitae Variant Classification Sherloc (09022015). Collection method: clinical testing. Allele origin: germline.
Comment: This sequence change replaces glycine, which is neutral and non-polar, with serine, which is neutral and polar, at codon 52 of the ARHGEF18 protein (p.Gly52Ser). This variant is present in population databases (no rsID available, gnomAD 0.006%). This variant has not been reported in the literature in individuals affected with ARHGEF18-related conditions. ClinVar contains an entry for this variant (Variation ID: 1052489). An algorithm developed to predict the effect of missense changes on protein structure and function outputs the following: PolyPhen-2: "Benign". The serine amino acid residue is found in multiple mammalian species, which suggests that this missense change does not adversely affect protein function. In summary, the available evidence is currently insufficient to determine the role of this variant in disease. Therefore, it has been classified as a Variant of Uncertain Significance.

Blueprint Genetics
Classification: Likely benign. Last evaluated: 2024-08-14. Review status: criteria provided, single submitter. Criteria: ACMG Guidelines, 2015. Collection method: clinical testing. Allele origin: germline.

NM_001367823.1(ARHGEF18):c.968-250G>A

Gene: ARHGEF18 (Rho/Rac guanine nucleotide exchange factor 18; plus strand). Cytogenetic location: 19p13.2.
Variant type: single nucleotide variant.
Coding change: c.968-250G>A on transcript NM_001367823.1 (MANE Select); 250 bases into the intron before coding-DNA position 968, G replaced by A.
Molecular consequence: intron variant. On other transcripts: 5 prime UTR variant (1).
Genome position (GRCh38, 1-based): chr19:7,440,094, G>A. VCF-style: chr19-7440094-G-A. GRCh37 (hg19) VCF-style: chr19-7504980-G-A.
Other names: c.-9G>A (NM_001130955.2); c.-226-95G>A (NM_001367824.1); c.-71-250G>A (NM_015318.4).
Identifiers: ClinVar variation 1052489 (VCV001052489.9), dbSNP rs1481787208, ClinGen allele CA403093363.